The following is an entry in ClinVar:

NM_001099403.2(PRDM8):c.649C>G (p.Gln217Glu)

Gene: PRDM8 (PR/SET domain 8; plus strand). Cytogenetic location: 4q21.21.
Variant type: single nucleotide variant.
Coding change: c.649C>G on transcript NM_001099403.2 (MANE Select); coding-DNA position 649, C replaced by G.
Protein change: p.Gln217Glu; replaces glutamine 217 with glutamic acid.
Molecular consequence: missense variant.
Genome position (GRCh38, 1-based): chr4:80,202,111, C>G. VCF-style: chr4-80202111-C-G. GRCh37 (hg19) VCF-style: chr4-81123265-C-G.
Other names: c.649C>G, p.Gln217Glu (NM_020226.4); short protein forms Q217E.
Identifiers: ClinVar variation 2178496 (VCV002178496.4), dbSNP rs924492913, ClinGen allele CA357394726.

ClinVar aggregate classification (germline): Uncertain significance (1 of 4 stars; one submission).

Conditions:
Early-onset Lafora body disease. Also called: Epilepsy, progressive myoclonic, 10. Identifiers: Orphanet 324290, MedGen C4225258, MONDO:0014717, OMIM 616640.

Submission:

Labcorp Genetics (formerly Invitae), Labcorp
Classification: Uncertain significance for Early-onset Lafora body disease. Last evaluated: 2022-01-15. Review status: criteria provided, single submitter. Criteria: Invitae Variant Classification Sherloc (09022015). Collection method: clinical testing. Allele origin: germline.
Comment: In summary, the available evidence is currently insufficient to determine the role of this variant in disease. Therefore, it has been classified as a Variant of Uncertain Significance. Algorithms developed to predict the effect of missense changes on protein structure and function (SIFT, PolyPhen-2, Align-GVGD) all suggest that this variant is likely to be tolerated. This variant has not been reported in the literature in individuals affected with PRDM8-related conditions. This variant is not present in population databases (gnomAD no frequency). This sequence change replaces glutamine, which is neutral and polar, with glutamic acid, which is acidic and polar, at codon 217 of the PRDM8 protein (p.Gln217Glu).